The following is an entry in ClinVar:

ClinVar aggregate classification (germline): Uncertain significance (1 of 4 stars; one submission).

gnomAD v4.1: 22 of 1,610,238 alleles (0.0014%); highest among the groups gnomAD compares: Non-Finnish European, 0.0019%; no homozygotes.

Submission:

Labcorp Genetics (formerly Invitae), Labcorp
Classification: Uncertain significance. Last evaluated: 2025-08-18. Review status: criteria provided, single submitter. Criteria: Invitae Variant Classification Sherloc (09022015). Collection method: clinical testing. Allele origin: germline.
Comment: This sequence change replaces glycine, which is neutral and non-polar, with aspartic acid, which is acidic and polar, at codon 69 of the RBP4 protein (p.Gly69Asp). This variant is not present in population databases (gnomAD no frequency). This variant has not been reported in the literature in individuals affected with RBP4-related conditions. An algorithm developed to predict the effect of missense changes on protein structure and function (PolyPhen-2) suggests that this variant is likely to be disruptive. In summary, the available evidence is currently insufficient to determine the role of this variant in disease. Therefore, it has been classified as a Variant of Uncertain Significance.

NM_006744.4(RBP4):c.206G>A (p.Gly69Asp)

Gene: RBP4 (retinol binding protein 4; minus strand). Cytogenetic location: 10q23.33.
Variant type: single nucleotide variant.
Coding change: c.206G>A on transcript NM_006744.4 (MANE Select); coding-DNA position 206, G replaced by A.
Protein change: p.Gly69Asp; replaces glycine 69 with aspartic acid.
Molecular consequence: missense variant.
Genome position (GRCh38, 1-based): chr10:93,600,709, C>T on the plus strand (G>A on the coding strand, the complement: RBP4 is on the minus strand). VCF-style: chr10-93600709-C-T. GRCh37 (hg19) VCF-style: chr10-95360466-C-T.
Other names: c.206G>A, p.Gly69Asp (NM_001323517.1); c.200G>A, p.Gly67Asp (NM_001323518.2); short protein forms G67D, G69D.
Identifiers: ClinVar variation 4766214 (VCV004766214.1).